The following is an entry in ClinVar:

ClinVar aggregate classification (germline): Uncertain significance (1 of 4 stars; one submission).

Submission:

GeneDx
Classification: Uncertain significance. Last evaluated: 2024-03-04. Review status: criteria provided, single submitter. Criteria: GeneDx Variant Classification Process June 2021. Collection method: clinical testing. Allele origin: germline. Affected: yes.
Comment: Functional studies have shown decreased expression of GKRP due to reduced protein stability and significantly reduced glucokinase regulatory capability (PMID: 12739015); In silico analysis supports that this missense variant has a deleterious effect on protein structure/function; This variant is associated with the following publications: (PMID: 25525159, 12739015)

NM_001486.4(GCKR):c.1553G>A (p.Arg518Gln)

Gene: GCKR (glucokinase regulator; plus strand). Cytogenetic location: 2p23.3.
Variant type: single nucleotide variant.
Coding change: c.1553G>A on transcript NM_001486.4 (MANE Select); coding-DNA position 1553, G replaced by A.
Protein change: p.Arg518Gln; replaces arginine 518 with glutamine.
Molecular consequence: missense variant.
Genome position (GRCh38, 1-based): chr2:27,518,918, G>A. VCF-style: chr2-27518918-G-A. GRCh37 (hg19) VCF-style: chr2-27741785-G-A.
Other names: short protein forms R518Q.
Identifiers: ClinVar variation 3340170 (VCV003340170.1).